The following is an entry in ClinVar:

NM_000199.5(SGSH):c.364G>C (p.Gly122Arg)

Gene: SGSH (N-sulfoglucosamine sulfohydrolase; minus strand). Cytogenetic location: 17q25.3.
Variant type: single nucleotide variant.
Coding change: c.364G>C on transcript NM_000199.5 (MANE Select); coding-DNA position 364, G replaced by C.
Protein change: p.Gly122Arg; replaces glycine 122 with arginine.
Molecular consequence: missense variant. On other transcripts: non-coding transcript variant (1).
Genome position (GRCh38, 1-based): chr17:80,214,757, C>G on the plus strand (G>C on the coding strand, the complement: SGSH is on the minus strand). VCF-style: chr17-80214757-C-G. GRCh37 (hg19) VCF-style: chr17-78188556-C-G.
Other names: c.364G>C, p.Gly122Arg (NM_001352921.3, NM_001352922.2); short protein forms G122R.
Identifiers: ClinVar variation 2028783 (VCV002028783.4), dbSNP rs761607612, ClinGen allele CA401363324.

ClinVar aggregate classification (germline): Pathogenic (1 of 4 stars; one submission).

Conditions:
Mucopolysaccharidosis, MPS-III-A (MPS3A). Also called: HEPARAN SULFATE SULFATASE DEFICIENCY; SANFILIPPO SYNDROME A; SULFAMIDASE DEFICIENCY; MPS III A; Mucopolysaccharidosis type IIIA (Sanfilippo A); Mucopolysaccharidosis, type IIIA. Identifiers: Orphanet 581, Orphanet 79269, MedGen C0086647, MONDO:0009655, OMIM 252900.

Submission:

Labcorp Genetics (formerly Invitae), Labcorp
Classification: Pathogenic for Mucopolysaccharidosis, MPS-III-A. Last evaluated: 2022-09-03. Review status: criteria provided, single submitter. Criteria: Invitae Variant Classification Sherloc (09022015). Collection method: clinical testing. Allele origin: germline.
Comment: A different variant (c.364G>A) giving rise to the same protein effect has been determined to be pathogenic (PMID: 9401012, 9554748, 11182930). This suggests that this variant is also likely to be causative of disease. This variant is not present in population databases (gnomAD no frequency). This sequence change replaces glycine, which is neutral and non-polar, with arginine, which is basic and polar, at codon 122 of the SGSH protein (p.Gly122Arg). For these reasons, this variant has been classified as Pathogenic. Advanced modeling of protein sequence and biophysical properties (such as structural, functional, and spatial information, amino acid conservation, physicochemical variation, residue mobility, and thermodynamic stability) performed at Invitae indicates that this missense variant is expected to disrupt SGSH protein function.

Literature cited by the submitters: PubMed 9401012; PubMed 9554748; PubMed 11182930.